The following is an entry in ClinVar:

NM_000718.4(CACNA1B):c.4049A>G (p.Asn1350Ser)

Gene: CACNA1B (calcium voltage-gated channel subunit alpha1 B; plus strand). Cytogenetic location: 9q34.3.
Variant type: single nucleotide variant.
Coding change: c.4049A>G on transcript NM_000718.4 (MANE Select); coding-DNA position 4049, A replaced by G.
Protein change: p.Asn1350Ser; replaces asparagine 1350 with serine.
Molecular consequence: missense variant.
Genome position (GRCh38, 1-based): chr9:138,057,812, A>G. VCF-style: chr9-138057812-A-G. GRCh37 (hg19) VCF-style: chr9-140952264-A-G.
Other names: c.4049A>G, p.Asn1350Ser (NM_001243812.2); c.4049A>G (NM_000718.3); short protein forms N1350S.
Identifiers: ClinVar variation 1908787 (VCV001908787.4), dbSNP rs1403686763, ClinGen allele CA375813535.
Genomic context (GRCh38, chr9:138,057,812, plus strand): 5'-AGAAGGAGGAAGTGGAAGCTCAGCCCAGGCAGTGGAAGAAATACGACTTTCACTACGACA[A>G]TGTGCTCTGGGCTCTGCTGACGCTGTTCACAGTGTCCACGGGAGAAGGCTGGCCCATGTG-3'
Protein context (NP_000709.1, residues 1340-1360): QWKKYDFHYD[Asn1350Ser]VLWALLTLFT

ClinVar aggregate classification (germline): Uncertain significance. Review status: criteria provided, multiple submitters, no conflicts (2 of 4 stars). 2 submissions from 2 submitters: Uncertain significance (2). Last evaluated 2024-07-27.

Allele frequency attached by ClinVar (database versions not stated): TOPMed below 0.00001; gnomAD exomes 0.00001.
gnomAD v4.1: 18 of 1,613,162 alleles (0.0011%); highest among the groups gnomAD compares: Non-Finnish European, 0.0014%; no homozygotes.

Submissions (2):

Ambry Genetics
Classification: Uncertain significance. Last evaluated: 2024-07-27. Review status: criteria provided, single submitter. Criteria: Ambry Variant Classification Scheme 2023. Collection method: clinical testing. Allele origin: germline.

Labcorp Genetics (formerly Invitae), Labcorp
Classification: Uncertain significance. Last evaluated: 2023-07-17. Review status: criteria provided, single submitter. Criteria: Invitae Variant Classification Sherloc (09022015). Collection method: clinical testing. Allele origin: germline.
Comment: This sequence change replaces asparagine, which is neutral and polar, with serine, which is neutral and polar, at codon 1350 of the CACNA1B protein (p.Asn1350Ser). This variant is present in population databases (no rsID available, gnomAD 0.0009%). This variant has not been reported in the literature in individuals affected with CACNA1B-related conditions. ClinVar contains an entry for this variant (Variation ID: 1908787). Advanced modeling of protein sequence and biophysical properties (such as structural, functional, and spatial information, amino acid conservation, physicochemical variation, residue mobility, and thermodynamic stability) performed at Invitae indicates that this missense variant is not expected to disrupt CACNA1B protein function. In summary, the available evidence is currently insufficient to determine the role of this variant in disease. Therefore, it has been classified as a Variant of Uncertain Significance.